The following is an entry in ClinVar:

NM_000505.4(F12):c.1018+11G>T

Gene: F12 (coagulation factor XII; minus strand). Cytogenetic location: 5q35.3.
Variant type: single nucleotide variant.
Coding change: c.1018+11G>T on transcript NM_000505.4 (MANE Select); 11 bases into the intron after coding-DNA position 1018, G replaced by T.
Molecular consequence: intron variant.
Genome position (GRCh38, 1-based): chr5:177,404,185, C>A on the plus strand (G>T on the coding strand, the complement: F12 is on the minus strand). VCF-style: chr5-177404185-C-A. GRCh37 (hg19) VCF-style: chr5-176831186-C-A.
Identifiers: ClinVar variation 904493 (VCV000904493.12), dbSNP rs570973405, ClinGen allele CA3581321.

ClinVar aggregate classification (germline): Conflicting classifications of pathogenicity. Review status: criteria provided, conflicting classifications (1 of 4 stars). 3 submissions from 2 submitters: Uncertain significance (1); Benign (1); Likely benign (1). Last evaluated 2025-11-24.

Conditions:
Factor XII deficiency disease. Also called: Reduced factor XII activity; Congenital factor XII deficiency; F12 DEFICIENCY; HAF DEFICIENCY. Identifiers: Orphanet 330, MedGen C0015526, MONDO:0009315, OMIM 234000, HP:0004841.
Hereditary angioedema type 3 (HAE3). Also called: ANGIONEUROTIC EDEMA, HEREDITARY, WITH NORMAL C1 INHIBITOR CONCENTRATION AND FUNCTION; ESTROGEN-RELATED HAE; ESTROGEN-SENSITIVE HAE; HAE WITH NORMAL C1 INHIBITOR CONCENTRATION AND FUNCTION. Identifiers: Orphanet 100054, MedGen C1857728, MONDO:0012526, OMIM 610618.

Allele frequency attached by ClinVar (database versions not stated): TOPMed 0.00023.
gnomAD v4.1: 206 of 1,583,676 alleles (0.013%); highest among the groups gnomAD compares: Admixed American, 0.14%; no homozygotes.

Submissions (3):

Labcorp Genetics (formerly Invitae), Labcorp
Classification: Likely benign. Last evaluated: 2025-11-24. Review status: criteria provided, single submitter. Criteria: Invitae Variant Classification Sherloc (09022015). Collection method: clinical testing. Allele origin: germline.

Illumina Laboratory Services, Illumina
Classification: Benign for Hereditary angioedema type 3. Last evaluated: 2018-04-20. Review status: criteria provided, single submitter. Criteria: ICSL Variant Classification Criteria 13 December 2019. Collection method: clinical testing. Allele origin: germline.
Comment: This variant was observed in the ICSL laboratory as part of a predisposition screen in an ostensibly healthy population. It had not been previously curated by ICSL or reported in the Human Gene Mutation Database (HGMD: prior to June 1st, 2018), and was therefore a candidate for classification through an automated scoring system. Utilizing variant allele frequency, disease prevalence and penetrance estimates, and inheritance mode, an automated score was calculated to assess if this variant is too frequent to cause the disease. Based on the score and internal cut-off values, a variant classified as benign is not then subjected to further curation. The score for this variant resulted in a classification of benign for this disease.

Illumina Laboratory Services, Illumina
Classification: Uncertain significance for Factor XII deficiency disease. Last evaluated: 2018-04-20. Review status: criteria provided, single submitter. Criteria: ICSL Variant Classification Criteria 13 December 2019. Collection method: clinical testing. Allele origin: germline.